The following is an entry in ClinVar:

ClinVar aggregate classification (germline): Pathogenic/Likely pathogenic. Review status: criteria provided, multiple submitters, no conflicts (2 of 4 stars). 6 submissions from 5 submitters: Pathogenic (2); Likely pathogenic (3). 1 of the submissions does not count toward it. Last evaluated 2025-06-18.

Conditions:
Patterned dystrophy of the retinal pigment epithelium (MDPT1). Identifiers: Orphanet 63454, MedGen C1868569, MONDO:0018973.
Retinal dystrophy. Also called: Inherited retinal dystrophy. Identifiers: Orphanet 71862, MedGen C0854723, MeSH D058499, MONDO:0019118, HP:0000556.
Retinitis pigmentosa (RP). Identifiers: Orphanet 791, MedGen C0035334, MeSH D012174, MONDO:0019200, OMIM 268000. Inheritance: Autosomal dominant, autosomal recessive and X linked inheritance.
PRPH2-related disorder. Also called: PRPH2-related disorders; PRPH2-related condition. Identifiers: MedGen CN239395.

Submissions (6):

Labcorp Genetics (formerly Invitae), Labcorp
Classification: Pathogenic for PRPH2-related disorder. Last evaluated: 2025-06-18. Review status: criteria provided, single submitter. Criteria: Invitae Variant Classification Sherloc (09022015). Collection method: clinical testing. Allele origin: germline.
Comment: This sequence change replaces arginine, which is basic and polar, with proline, which is neutral and non-polar, at codon 220 of the PRPH2 protein (p.Arg220Pro). This variant is not present in population databases (gnomAD no frequency). This missense change has been observed in individuals with PRPH2-related conditions (PMID: 32531846; internal data). ClinVar contains an entry for this variant (Variation ID: 860907). Invitae Evidence Modeling of protein sequence and biophysical properties (such as structural, functional, and spatial information, amino acid conservation, physicochemical variation, residue mobility, and thermodynamic stability) indicates that this missense variant is expected to disrupt PRPH2 protein function with a positive predictive value of 95%. This variant disrupts the p.Arg220 amino acid residue in PRPH2. Other variant(s) that disrupt this residue have been determined to be pathogenic (PMID: 9443872, 29555955). This suggests that this residue is clinically significant, and that variants that disrupt this residue are likely to be disease-causing. For these reasons, this variant has been classified as Pathogenic.

Blueprint Genetics
Classification: Likely pathogenic for PRPH2-related disorders. Last evaluated: 2023-09-20. Review status: criteria provided, single submitter. Criteria: ACMG Guidelines, 2015. Collection method: clinical testing. Allele origin: germline. Affected: yes. Observed: 1 variant allele.

NEI Ophthalmic Genomics Laboratory, National Institutes of Health
Classification: Likely pathogenic for Retinitis pigmentosa. Last evaluated: 2020-01-07. Review status: criteria provided, single submitter. Criteria: ACMG Guidelines, 2015. Collection method: clinical testing. Allele origin: germline. Affected: yes.
Comment: The variant NM_000322.4:c.659G>C in the PRPH2 gene has not been reported to our knowledge . We found this variant in 2 patient(s) in a PRPH2 cohort study (Reeves et al. 2020). This variant is not listed in dbSNP and/or HGMD. It is absent in gnomAD browser. It is not enriched in the PRPH2 disease cohort. We invoked ACMG criteria [PM1, PM2, PM5, PP3] and classified NM_000322.4:c.659G>C in the PRPH2 gene as a Likely Pathogenic mutation.

NEI Ophthalmic Genomics Laboratory, National Institutes of Health
Classification: Likely pathogenic for Patterned dystrophy of the retinal pigment epithelium. Last evaluated: 2020-01-07. Review status: criteria provided, single submitter. Criteria: ACMG Guidelines, 2015. Collection method: clinical testing. Allele origin: germline. Affected: yes.
Comment: the same text as in the submission from NEI Ophthalmic Genomics Laboratory, National Institutes of Health above.

Institute of Human Genetics, Univ. Regensburg, Univ. Regensburg
Classification: Pathogenic for Retinal dystrophy. Last evaluated: 2020-01-01. Review status: criteria provided, single submitter. Criteria: ACMG Guidelines, 2015. Collection method: clinical testing. Allele origin: germline. Affected: yes.

Leiden Open Variation Database
Classification: Likely pathogenic. Last evaluated: 2021-04-06. Review status: no assertion criteria provided. Collection method: curation. Allele origin: germline. Affected: yes. Not counted in ClinVar's aggregate classification.
Comment: Curator: Global Variome, with Curator vacancy. Submitter to LOVD: Manon Peeters.

Literature cited by the submitters: PubMed 32531846 (cited by 3 submitters); PubMed 9443872 (cited by Labcorp Genetics (formerly Invitae), Labcorp); PubMed 29555955 (cited by Labcorp Genetics (formerly Invitae), Labcorp); PubMed 3441139 (cited by Institute of Human Genetics, Univ. Regensburg, Univ. Regensburg).

NM_000322.5(PRPH2):c.659G>C (p.Arg220Pro)

Gene: PRPH2 (peripherin 2; minus strand). Cytogenetic location: 6p21.1.
Variant type: single nucleotide variant.
Coding change: c.659G>C on transcript NM_000322.5 (MANE Select); coding-DNA position 659, G replaced by C.
Protein change: p.Arg220Pro; replaces arginine 220 with proline.
Molecular consequence: missense variant.
Genome position (GRCh38, 1-based): chr6:42,704,534, C>G on the plus strand (G>C on the coding strand, the complement: PRPH2 is on the minus strand). VCF-style: chr6-42704534-C-G. GRCh37 (hg19) VCF-style: chr6-42672272-C-G.
Other names: short protein forms R220P.
Identifiers: ClinVar variation 860907 (VCV000860907.15), dbSNP rs61755810, ClinGen allele CA364135472.